The following is an entry in ClinVar:

NM_152564.5(VPS13B):c.208C>T (p.Pro70Ser)

Gene: VPS13B (vacuolar protein sorting 13 homolog B; plus strand). Cytogenetic location: 8q22.2.
Variant type: single nucleotide variant.
Coding change: c.208C>T on transcript NM_152564.5 (MANE Select); coding-DNA position 208, C replaced by T.
Protein change: p.Pro70Ser; replaces proline 70 with serine.
Molecular consequence: missense variant. On other transcripts: non-coding transcript variant (1).
Genome position (GRCh38, 1-based): chr8:99,038,483, C>T. VCF-style: chr8-99038483-C-T. GRCh37 (hg19) VCF-style: chr8-100050711-C-T.
Other names: c.208C>T, p.Pro70Ser (NM_015243.3, NM_017890.5, NM_181661.3); short protein forms P70S.
Identifiers: ClinVar variation 4979711 (VCV004979711.1).

ClinVar aggregate classification (germline): Uncertain significance (1 of 4 stars; one submission).

Conditions:
VPS13B-related disorder. Also called: VPS13B-related condition.

gnomAD v4.1: 9 of 1,612,040 alleles (0.00056%); highest among the groups gnomAD compares: Non-Finnish European, 0.00076%; no homozygotes.

Submission:

PreventionGenetics, part of Exact Sciences
Classification: Uncertain significance for VPS13B-related condition. Last evaluated: 2026-01-04. Review status: criteria provided, single submitter. Criteria: ACMG Guidelines, 2015. Collection method: clinical testing. Allele origin: germline.
Comment: The VPS13B c.208C>T variant is predicted to result in the amino acid substitution p.Pro70Ser. To our knowledge, this variant has not been reported in the literature. This variant is reported in 0.00088% of alleles in individuals of European (Non-Finnish) descent in gnomAD. At this time, the clinical significance of this variant is uncertain due to the absence of conclusive functional and genetic evidence.